The following is an entry in ClinVar:

NM_007373.4(SHOC2):c.1612G>A (p.Ala538Thr)

Gene: SHOC2 (SHOC2 leucine rich repeat scaffold protein; plus strand). Cytogenetic location: 10q25.2.
Variant type: single nucleotide variant.
Coding change: c.1612G>A on transcript NM_007373.4 (MANE Select); coding-DNA position 1612, G replaced by A.
Protein change: p.Ala538Thr; replaces alanine 538 with threonine.
Molecular consequence: missense variant. On other transcripts: non-coding transcript variant (1), 3 prime UTR variant (1).
Genome position (GRCh38, 1-based): chr10:111,011,681, G>A. VCF-style: chr10-111011681-G-A. GRCh37 (hg19) VCF-style: chr10-112771439-G-A.
Other names: c.943G>A, p.Ala315Thr (NM_001441188.1); c.529G>A, p.Ala177Thr (NM_001441189.1, NM_001441190.1, NM_001441191.1); c.1474G>A, p.Ala492Thr (NM_001269039.3, NM_001441186.1); c.1612G>A, p.Ala538Thr (NM_001324336.2, NM_001324337.2, NM_001441184.1 and 1 more transcripts); c.*54G>A (NM_001441187.1); short protein forms A315T, A177T, A538T, A492T.
Identifiers: ClinVar variation 4769898 (VCV004769898.1).

ClinVar aggregate classification (germline): Uncertain significance (1 of 4 stars; one submission).

Conditions:
RASopathy. Also called: Noonan spectrum disorder; rasopathies. Identifiers: Orphanet 536391, MedGen C5555857, MONDO:0021060.

Submission:

Labcorp Genetics (formerly Invitae), Labcorp
Classification: Uncertain significance for RASopathy. Last evaluated: 2025-10-21. Review status: criteria provided, single submitter. Criteria: Invitae Variant Classification Sherloc (09022015). Collection method: clinical testing. Allele origin: germline.
Comment: This sequence change replaces alanine, which is neutral and non-polar, with threonine, which is neutral and polar, at codon 538 of the SHOC2 protein (p.Ala538Thr). This variant is not present in population databases (gnomAD no frequency). This variant has not been reported in the literature in individuals affected with SHOC2-related conditions. Invitae Evidence Modeling of protein sequence and biophysical properties (such as structural, functional, and spatial information, amino acid conservation, physicochemical variation, residue mobility, and thermodynamic stability) indicates that this missense variant is not expected to disrupt SHOC2 protein function with a negative predictive value of 80%. In summary, the available evidence is currently insufficient to determine the role of this variant in disease. Therefore, it has been classified as a Variant of Uncertain Significance.